The following is an entry in ClinVar:

ClinVar aggregate classification (germline): Uncertain significance (1 of 4 stars; one submission).

Conditions:
Ullrich congenital muscular dystrophy 2 (UCMD2). Identifiers: Orphanet 75840, MedGen C4225314, MONDO:0014654, OMIM 616470.
Bethlem myopathy 2 (BTHLM2). Identifiers: Orphanet 536516, Orphanet 610, MedGen C4225313, MONDO:0034022, OMIM 616471.

Allele frequency attached by ClinVar (database versions not stated): gnomAD exomes below 0.00001; gnomAD 0.00001.
gnomAD v4.1: 3 of 1,562,932 alleles (0.00019%); highest among the groups gnomAD compares: East Asian, 0.0047%; no homozygotes.

Submission:

Labcorp Genetics (formerly Invitae), Labcorp
Classification: Uncertain significance for Bethlem myopathy 2; Ullrich congenital muscular dystrophy 2. Last evaluated: 2019-04-08. Review status: criteria provided, single submitter. Criteria: Invitae Variant Classification Sherloc (09022015). Collection method: clinical testing. Allele origin: germline.
Comment: This variant is not present in population databases (ExAC no frequency). In summary, the available evidence is currently insufficient to determine the role of this variant in disease. Therefore, it has been classified as a Variant of Uncertain Significance. Algorithms developed to predict the effect of missense changes on protein structure and function are either unavailable or do not agree on the potential impact of this missense change (SIFT: "Deleterious"; PolyPhen-2: "Benign"; Align-GVGD: "Class C0"). This variant has not been reported in the literature in individuals with COL12A1-related conditions. This sequence change replaces valine with methionine at codon 2292 of the COL12A1 protein (p.Val2292Met). The valine residue is moderately conserved and there is a small physicochemical difference between valine and methionine.

NM_004370.6(COL12A1):c.6874G>A (p.Val2292Met)

Gene: COL12A1 (collagen type XII alpha 1 chain; minus strand). Cytogenetic location: 6q13.
Variant type: single nucleotide variant.
Coding change: c.6874G>A on transcript NM_004370.6 (MANE Select); coding-DNA position 6874, G replaced by A.
Protein change: p.Val2292Met; replaces valine 2292 with methionine.
Molecular consequence: missense variant.
Genome position (GRCh38, 1-based): chr6:75,123,402, C>T on the plus strand (G>A on the coding strand, the complement: COL12A1 is on the minus strand). VCF-style: chr6-75123402-C-T. GRCh37 (hg19) VCF-style: chr6-75833118-C-T.
Other names: c.3382G>A, p.Val1128Met (NM_080645.3); short protein forms V1128M, V2292M.
Identifiers: ClinVar variation 858179 (VCV000858179.10), dbSNP rs1434449708, ClinGen allele CA364728229.
Genomic context (GRCh38, chr6:75,123,402, plus strand): 5'-GTGGAATGGTGGGAGGGGGAGGAGGTGTGGGTGGCTCTGTAGGGGCTTCTGTTGGTTTCA[C>T]AGCTAAAATTTAAAAATAATAATTATAAAAACACACCATGTGCACATTTGATATCCCAGA-3'
Protein context (NP_004361.3, residues 2282-2302): PGVSVKEHTT[Val2292Met]KPTEAPTEPP